The following continues an entry in ClinVar:

NM_007294.4(BRCA1):c.1A>G (p.Met1Val)

Gene: BRCA1. ClinVar aggregate classification (germline): Pathogenic/Likely pathogenic. Pathogenic (17); Likely pathogenic (1).

Submissions 9 to 25 of 25:

Quest Diagnostics Nichols Institute San Juan Capistrano
Classification: Pathogenic. Last evaluated: 2023-08-11. Review status: criteria provided, single submitter. Criteria: Quest Diagnostics criteria. Collection method: clinical testing. Allele origin: unknown.
Comment: The BRCA1 c.1A>G variant disrupts the translation initiation codon of the BRCA1 mRNA and is predicted to interfere with BRCA1 protein synthesis. This variant has been reported in the published literature in individuals with a personal or family history of breast and/or ovarian cancer (PMIDs: 35578052 (2022), 35264596 (2022), 33471991 (2021), 35918668 (2022), 32341426 (2020), 28888541 (2017), 24884479 (2014), 24504028 (2014), 22006311 (2011), 12827452 (2003), 11802209 (2002)). Experimental studies report this variant causes loss of BRCA1 protein function and impacts cell viability (PMIDs: 33087888 (2021), 31131967 (2019), 30209399 (2018)). This variant has not been reported in large, multi-ethnic general populations (Genome Aggregation Database). Based on the available information, this variant is classified as pathogenic.

GeneDx
Classification: Pathogenic. Last evaluated: 2021-01-05. Review status: criteria provided, single submitter. Criteria: GeneDx Variant Classification Process June 2021. Collection method: clinical testing. Allele origin: germline. Affected: yes.
Comment: Initiation codon variant in a gene for which loss-of-function is a known mechanism of disease; Published functional studies demonstrate a damaging effect: variant classified as non-functional based on a saturation genome editing (SGE) assay measuring cell survival, and demonstrated increased sensitivity to irradiation (Baert 2016, Findlay 2018); Observed in individuals with a personal or family history consistent with pathogenic variants in this gene (Meindl 2002, Rostagno 2003, Walsh 2011, Cunningham 2014, Silva 2014, Heramb 2018); Not observed in large population cohorts (Lek 2016); Also known as 120A>G; This variant is associated with the following publications: (PMID: 24728189, 24448499, 20180971, 12827452, 22006311, 28324225, 29116469, 31131967, 24504028, 11802209, 21709188, 24884479, 27184744, 29339979, 30209399, 29446198, 32341426, 33087888)

Women's Health and Genetics/Laboratory Corporation of America, LabCorp
Classification: Pathogenic for Hereditary breast and ovarian cancer syndrome. Last evaluated: 2019-10-28. Review status: criteria provided, single submitter. Criteria: LabCorp Variant Classification Summary - May 2015. Collection method: clinical testing. Allele origin: germline.
Comment: Variant summary: BRCA1 c.1A>G alters the initiation codon (therefore the predicted protein level name is p.Met1Val) and is expected to result either in absence of the protein or truncation of the encoded protein due to translation initiation at a downstream codon. Three of four in-silico tools predict a damaging effect of the variant on protein function. The variant was absent in 250886 control chromosomes (gnomAD). c.1A>G has been reported in the literature in multiple families and individuals affected with Hereditary Breast and Ovarian Cancer (e.g. Meindl_2002, Rostagno_2003, Walsh_2011, Silva_2014). These data indicate that the variant is very likely to be associated with disease. Six clinical diagnostic laboratories have submitted clinical-significance assessments for this variant to ClinVar (evaluation after 2014) and cited the variant as pathogenic. Based on the evidence outlined above, the variant was classified as pathogenic.

Laboratory for Molecular Medicine, Mass General Brigham Personalized Medicine
Classification: Likely pathogenic for Hereditary breast ovarian cancer syndrome. Last evaluated: 2019-10-14. Review status: criteria provided, single submitter. Criteria: ACMG Guidelines, 2015. Collection method: clinical testing. Allele origin: germline.
Comment: The p.Met1Val variant in BRCA1 has been reported in at least 11 individuals with a personal or family history of hereditary breast and/or ovarian cancer (HBOC; Meindl 2002, Walsh 2011, Cunningham 2014, BIC database). It was absent from large population studies. This variant has also been reported in ClinVar (Variation ID: 54432). This variant affects the translation initiation start codon (ATG) and is therefore predicted to disrupt translation although a variety of outcomes (no protein synthesis or the activation of an upstream translation initiation codon) are possible. In vitro functional studies support an impact to the protein (Findlay 2018). In summary, although additional studies are required to fully establish its clinical significance, this variant meets criteria to be classified as likely pathogenic. ACMG/AMP Criteria applied: PM2, PS3_Moderate, PS4_Moderate.

Mendelics
Classification: Pathogenic for Hereditary breast and ovarian cancer syndrome. Last evaluated: 2018-07-02. Review status: criteria provided, single submitter. Criteria: Mendelics Assertion Criteria 2017. Collection method: clinical testing. Allele origin: unknown.

Consortium of Investigators of Modifiers of BRCA1/2 (CIMBA), c/o University of Cambridge
Classification: Pathogenic for Breast-ovarian cancer, familial, susceptibility to, 1. Last evaluated: 2015-10-02. Review status: criteria provided, single submitter. Criteria: CIMBA Mutation Classification guidelines May 2016. Collection method: clinical testing. Allele origin: germline.

Department of Medical Genetics, Oslo University Hospital
Classification: Pathogenic for Breast-ovarian cancer, familial, susceptibility to, 1. Last evaluated: 2015-07-01. Review status: criteria provided, single submitter. Criteria: ACMG Guidelines, 2015. Collection method: clinical testing. Allele origin: germline. Affected: yes. Observed: 69 variant alleles.

Molecular Genetics Laboratory, University of Michigan
Classification: Pathogenic for Breast-ovarian cancer, familial, susceptibility to, 1. Last evaluated: 2014-11-03. Review status: criteria provided, single submitter. Criteria: ACMG Guidelines, 2015. Collection method: clinical testing. Allele origin: germline. Affected: yes.

Eurofins Ntd Llc (ga)
Classification: Pathogenic. Last evaluated: 2014-09-04. Review status: criteria provided, single submitter. Criteria: EGL Classification Definitions 2015. Collection method: clinical testing. Allele origin: germline.

Clinical and Functional Genomics Group, A.C.Camargo Cancer Center
Classification: Pathogenic for Breast Cancer. Review status: criteria provided, single submitter. Criteria: Silva et al. (BMC Med Genet. 2014). Collection method: research. Allele origin: germline. Affected: yes.

BRCAlab, Lund University
Classification: Pathogenic for Breast-ovarian cancer, familial, susceptibility to, 1. Last evaluated: 2020-03-02. Review status: no assertion criteria provided. Collection method: clinical testing. Allele origin: germline. Affected: yes. Not counted in ClinVar's aggregate classification.

Research Molecular Genetics Laboratory, Women's College Hospital, University of Toronto
Classification: Pathogenic for Hereditary breast ovarian cancer syndrome. Last evaluated: 2014-01-31. Review status: no assertion criteria provided. Collection method: research. Allele origin: germline. Affected: yes. Study: The Canadian Open Genetics Repository (COGR). Not counted in ClinVar's aggregate classification.

Sharing Clinical Reports Project (SCRP)
Classification: Pathogenic for Breast-ovarian cancer, familial 1. Last evaluated: 2010-02-01. Review status: no assertion criteria provided. Collection method: clinical testing. Allele origin: germline. Not counted in ClinVar's aggregate classification.

Breast Cancer Information Core (BIC) (BRCA1)
Classification: Pathogenic for Breast-ovarian cancer, familial 1. Last evaluated: 2004-02-20. Review status: no assertion criteria provided. Collection method: clinical testing. Allele origin: germline. Affected: yes. Observed: 8 variant alleles. Not counted in ClinVar's aggregate classification.

Brotman Baty Institute, University of Washington
No classification provided (evidence only). Condition: Breast-ovarian cancer, familial 1. Review status: no classification provided. Collection method: in vitro. Allele origin: not applicable. Functional consequence: functionally_abnormal. Not counted in ClinVar's aggregate classification.
ClinVar note: "not provided" was previously submitted as the classification for the variant. However, the classification appeared to be based only on an observation of functional data so it was converted to no classification on 2025-07-30.

Center for Precision Medicine, Meizhou People's Hospital
Classification: Pathogenic for Familial cancer of breast. Review status: no assertion criteria provided. Collection method: literature only. Allele origin: germline. Affected: yes. Not counted in ClinVar's aggregate classification.

Department of Pathology and Laboratory Medicine, Sinai Health System
Classification: Pathogenic for breast cancer. Review status: no assertion criteria provided. Collection method: clinical testing. Allele origin: unknown. Affected: yes. Study: The Canadian Open Genetics Repository (COGR). Not counted in ClinVar's aggregate classification.
Comment: The BRCA1 p.Met1? variant was identified in 2 of 882 proband chromosomes (frequency: 0.00227) from individuals or families with breast cancer (Palmero_2018_PMID:29907814). The p.Met? variant has been reported in multiple families with breast and ovarian cancer (Meindl 2002, Rostagno 2003, Walsh 2011, Cunningham 2014, Silva 2014, Heramb 2018). The variant was identified in dbSNP (ID: rs80357287) as Pathogenic, ClinVar (Pathogenic, 2 stars. Classified as pathogenic 12x), LOVD 3.0 (25 entries, 19x pathogenic, 6x VUS), ARUP Laboratories (5-definitely pathogenic), databases. The variant was not identified in the following control databases: the 1000 Genomes Project, the NHLBI GO Exome Sequencing Project, or the Genome Aggregation Database (March 6, 2019, v2.1.1). This variant affects the translation initiation start codon (ATG) and is therefore predicted to disrupt translation, however a variety of outcomes (no protein synthesis or the activation of an upstream translation initiation codon) are possible. A homology-directed DNA repair assay suggested the variant results in loss of protein function (Findlay_2018_PMID:30209399). The variant occurs outside of the splicing consensus sequence and in silico or computational prediction software programs (SpliceSiteFinder, MaxEntScan, NNSPLICE, GeneSplicer) do not predict a difference in splicing. In summary, based on the above information this variant meets our laboratoryâ€šÃ„Ã´s criteria to be classified as pathogenic.

Literature cited by the submitters: PubMed 11802209 (cited by 4 submitters); PubMed 12827452 (cited by 5 submitters); PubMed 21120943 (cited by 3 submitters); PubMed 22006311 (cited by 7 submitters); PubMed 24504028 (cited by 7 submitters); PubMed 21922593 (cited by 3 submitters); PubMed 30209399 (cited by 5 submitters); PubMed 11526114 (cited by Ambry Genetics); PubMed 11573085 (cited by Ambry Genetics); PubMed 12732733 (cited by Ambry Genetics); PubMed 20180971 (cited by Ambry Genetics); PubMed 21709188 (cited by Ambry Genetics and Quest Diagnostics Nichols Institute San Juan Capistrano); PubMed 16912212 (cited by All of Us Research Program, National Institutes of Health and Color Diagnostics, LLC DBA Color Health); PubMed 24884479 (cited by 4 submitters); PubMed 31131967 (cited by 3 submitters); PubMed 33471991 (cited by 3 submitters); PubMed 29339979 (cited by Quest Diagnostics Nichols Institute San Juan Capistrano); PubMed 29446198 (cited by Quest Diagnostics Nichols Institute San Juan Capistrano); PubMed 32341426 (cited by Quest Diagnostics Nichols Institute San Juan Capistrano); PubMed 33087888 (cited by Quest Diagnostics Nichols Institute San Juan Capistrano); PubMed 28888541 (cited by Quest Diagnostics Nichols Institute San Juan Capistrano); PubMed 33087929 (cited by Quest Diagnostics Nichols Institute San Juan Capistrano); PubMed 35918668 (cited by Quest Diagnostics Nichols Institute San Juan Capistrano); PubMed 34981296 (cited by Quest Diagnostics Nichols Institute San Juan Capistrano); PubMed 35264596 (cited by Quest Diagnostics Nichols Institute San Juan Capistrano); PubMed 35578052 (cited by Quest Diagnostics Nichols Institute San Juan Capistrano); PubMed 23469205 (cited by Clinical and Functional Genomics Group, A.C.Camargo Cancer Center).